The following is an entry in ClinVar:

NM_030761.5(WNT4):c.377G>A (p.Arg126Gln)

Gene: WNT4 (Wnt family member 4; minus strand). Cytogenetic location: 1p36.12.
Variant type: single nucleotide variant.
Coding change: c.377G>A on transcript NM_030761.5 (MANE Select); coding-DNA position 377, G replaced by A.
Protein change: p.Arg126Gln; replaces arginine 126 with glutamine.
Molecular consequence: missense variant.
Genome position (GRCh38, 1-based): chr1:22,121,513, C>T on the plus strand (G>A on the coding strand, the complement: WNT4 is on the minus strand). VCF-style: chr1-22121513-C-T. GRCh37 (hg19) VCF-style: chr1-22448006-C-T.
Other names: short protein forms R126Q.
Identifiers: ClinVar variation 3580695 (VCV003580695.3).
Genomic context (GRCh38, chr1:22,121,513, plus strand): 5'-CTGACCCCATGCACTGTCCTGTCACAGCCGCACTTCTCCAGCTCCCCACTGCTGCACGCC[C>T]GCGTCACTGCAAAGGCCACACCTGCCGAAGAGATGGCGTACACGAAGGCCGCCTCCCGAG-3'
Protein context (NP_110388.2, residues 116-136): SSAGVAFAVT[Arg126Gln]ACSSGELEKC

ClinVar aggregate classification (germline): Uncertain significance. Review status: criteria provided, multiple submitters, no conflicts (2 of 4 stars). 2 submissions from 2 submitters: Uncertain significance (2). Last evaluated 2024-09-02.

Conditions:
Mullerian aplasia and hyperandrogenism. Also called: MULLERIAN DUCT FAILURE AND HYPERANDROGENISM. Identifiers: Orphanet 247768, MedGen C2675014, MONDO:0008019, OMIM 158330.
SERKAL syndrome (SERKAL). Also called: 46,XX SEX REVERSAL WITH DYSGENESIS OF KIDNEYS, ADRENALS, AND LUNGS. Identifiers: Orphanet 139466, MedGen C2678492, MONDO:0012734, OMIM 611812.

Submissions (2):

Labcorp Genetics (formerly Invitae), Labcorp
Classification: Uncertain significance. Last evaluated: 2024-09-02. Review status: criteria provided, single submitter. Criteria: Invitae Variant Classification Sherloc (09022015). Collection method: clinical testing. Allele origin: germline.
Comment: This sequence change replaces arginine, which is basic and polar, with glutamine, which is neutral and polar, at codon 126 of the WNT4 protein (p.Arg126Gln). This variant is present in population databases (no rsID available, gnomAD 0.007%). This variant has not been reported in the literature in individuals affected with WNT4-related conditions. Invitae Evidence Modeling of protein sequence and biophysical properties (such as structural, functional, and spatial information, amino acid conservation, physicochemical variation, residue mobility, and thermodynamic stability) indicates that this missense variant is not expected to disrupt WNT4 protein function with a negative predictive value of 80%. In summary, the available evidence is currently insufficient to determine the role of this variant in disease. Therefore, it has been classified as a Variant of Uncertain Significance.

Fulgent Genetics
Classification: Uncertain significance for Mullerian aplasia and hyperandrogenism; SERKAL syndrome. Last evaluated: 2024-05-10. Review status: criteria provided, single submitter. Criteria: ACMG Guidelines, 2015. Collection method: clinical testing. Allele origin: germline.